The following is an entry in ClinVar:

ClinVar aggregate classification (germline): Conflicting classifications of pathogenicity. Review status: criteria provided, conflicting classifications (1 of 4 stars). 2 submissions from 2 submitters: Likely pathogenic (1); Uncertain significance (1). Last evaluated 2025-11-11.

Conditions:
Rare genetic deafness. Identifiers: Orphanet 96210, MedGen C5680250.

Allele frequency attached by ClinVar (database versions not stated): TOPMed below 0.00001.
gnomAD v4.1: 1 of 1,613,908 alleles (0.000062%); highest among the groups gnomAD compares: Non-Finnish European, 0.000085%; no homozygotes.

Submissions (2):

Women's Health and Genetics/Laboratory Corporation of America, LabCorp
Classification: Uncertain significance. Last evaluated: 2025-11-11. Review status: criteria provided, single submitter. Criteria: LabCorp Variant Classification Summary - May 2015. Collection method: clinical testing. Allele origin: germline.
Comment: Variant summary: MYO7A c.3572G>A (p.Gly1191Asp) results in a non-conservative amino acid change in the encoded protein sequence. Algorithms developed to predict the effect of missense changes on protein structure and function all suggest that this variant is likely to be disruptive. The variant was absent in 249120 control chromosomes. The available data on variant occurrences in the general population are insufficient to allow any conclusion about variant significance. c.3572G>A has been observed as a presumably compound heterozygous genotype in at-least one individual(s) affected with features of Usher Syndrome (Mansard_2021). These data do not allow any conclusion about variant significance. To our knowledge, no experimental evidence demonstrating an impact on protein function has been reported. The following publication have been ascertained in the context of this evaluation (PMID: 34948090). ClinVar contains an entry for this variant (Variation ID: 43212). Based on the evidence outlined above, the variant was classified as uncertain significance.

Laboratory for Molecular Medicine, Mass General Brigham Personalized Medicine
Classification: Likely pathogenic for Rare genetic deafness. Last evaluated: 2011-06-30. Review status: criteria provided, single submitter. Criteria: LMM Criteria. Collection method: clinical testing. Allele origin: germline. Inheritance: Autosomal recessive inheritance. Observed: 2 variant alleles.
Comment: The Gly1191Asp variant in MYO7A has not been reported in the literature nor prev iously identified by our laboratory. In addition, this residue is conserved across species and computational analyses (P olyPhen2, SIFT) suggest that the Gly1191Asp variant may impact the protein. In s ummary, this variant is likely to be pathogenic.

Literature cited by the submitters: PubMed 34948090 (cited by Women's Health and Genetics/Laboratory Corporation of America, LabCorp).

NM_000260.4(MYO7A):c.3572G>A (p.Gly1191Asp)

Gene: MYO7A (myosin VIIA; plus strand). Cytogenetic location: 11q13.5.
Variant type: single nucleotide variant.
Coding change: c.3572G>A on transcript NM_000260.4 (MANE Select); coding-DNA position 3572, G replaced by A.
Protein change: p.Gly1191Asp; replaces glycine 1191 with aspartic acid.
Molecular consequence: missense variant.
Genome position (GRCh38, 1-based): chr11:77,189,412, G>A. VCF-style: chr11-77189412-G-A. GRCh37 (hg19) VCF-style: chr11-76900457-G-A.
Other names: c.3572G>A, p.Gly1191Asp (NM_001127180.2); c.3539G>A, p.Gly1180Asp (NM_001369365.1); short protein forms G1191D, G1180D.
Identifiers: ClinVar variation 43212 (VCV000043212.6), dbSNP rs397516301, ClinGen allele CA278654.
Genomic context (GRCh38, chr11:77,189,412, plus strand): 5'-TCTACTGCCAGATCAGCAAGCAGCTGACCCACAACCCCTCCAAGAGCAGCTATGCCCGGG[G>A]CTGGATTCTCGTGTCTCTCTGCGTGGGCTGTTTCGCCCCCTCCGAGAAGTTTGTCAAGGT-3'
Protein context (NP_000251.3, residues 1181-1201): HNPSKSSYAR[Gly1191Asp]WILVSLCVGC